The following is an entry in ClinVar:

ClinVar aggregate classification (germline): Pathogenic (1 of 4 stars; one submission).

Conditions:
Adams-Oliver syndrome 5 (AOS5). Identifiers: Orphanet 974, MedGen C4014970, MONDO:0014459, OMIM 616028.

Submission:

Victorian Clinical Genetics Services, Murdoch Childrens Research Institute
Classification: Pathogenic for Adams-Oliver syndrome 5. Last evaluated: 2025-03-16. Review status: criteria provided, single submitter. Criteria: ACMG Guidelines, 2015. Collection method: clinical testing. Allele origin: germline. Affected: yes.
Comment: This variant is classified as Pathogenic. Evidence in support of pathogenic classification: Variant is predicted to cause nonsense-mediated decay (NMD) and loss of protein (premature termination codon is located at least 54 nucleotides upstream of the final exon-exon junction); Variant is absent from gnomAD (v2, v3 and v4); Other NMD-predicted variant(s) comparable to the one identified in this case have very strong previous evidence for pathogenicity (DECIPHER). Additional information: This variant is heterozygous; This gene is associated with autosomal dominant disease; This variant has no previous evidence of pathogenicity; No published segregation evidence has been identified for this variant; No published functional evidence has been identified for this variant; Loss of function and gain of function are known mechanisms of disease in this gene. Loss of function is associated with Adams-Oliver syndrome 5 (MIM#616028) and aortic valve disease 1 (MIM#109730), while gain of function is associated with genetic cerebral small vessel disease (MONDO:0018787), NOTCH1-related. - The condition associated with this gene has incomplete penetrance (PMIDs: 30582441, 26820064).

Literature cited by the submitters: PubMed 30582441; PubMed 26820064.

NM_017617.5(NOTCH1):c.4584C>A (p.Cys1528Ter)

Gene: NOTCH1 (notch receptor 1; minus strand). Cytogenetic location: 9q34.3.
Variant type: single nucleotide variant.
Coding change: c.4584C>A on transcript NM_017617.5 (MANE Select); coding-DNA position 4584, C replaced by A.
Protein change: p.Cys1528Ter; replaces cysteine 1528 with a stop codon.
Molecular consequence: nonsense.
Genome position (GRCh38, 1-based): chr9:136,505,312, G>T on the plus strand (C>A on the coding strand, the complement: NOTCH1 is on the minus strand). VCF-style: chr9-136505312-G-T. GRCh37 (hg19) VCF-style: chr9-139399764-G-T.
Other names: short protein forms C1528*.
Identifiers: ClinVar variation 4532122 (VCV004532122.1).